The following is an entry in ClinVar:

ClinVar aggregate classification (germline): Uncertain significance (1 of 4 stars; one submission).

Conditions:
Inborn genetic diseases. Identifiers: MedGen C0950123, MeSH D030342.

Submission:

Ambry Genetics
Classification: Uncertain significance for Inborn genetic diseases. Last evaluated: 2025-03-18. Review status: criteria provided, single submitter. Criteria: Ambry Variant Classification Scheme 2023. Collection method: clinical testing. Allele origin: germline.
Comment: The p.M1228I variant (also known as c.3684G>A), located in coding exon 1 of the SAMD9L gene, results from a G to A substitution at nucleotide position 3684. The methionine at codon 1228 is replaced by isoleucine, an amino acid with highly similar properties. This amino acid position is conserved. In addition, this alteration is predicted to be tolerated by in silico analysis. Based on the available evidence, the clinical significance of this variant remains unclear.

NM_152703.5(SAMD9L):c.3684G>A (p.Met1228Ile)

Gene: SAMD9L (sterile alpha motif domain containing 9 like; minus strand). Cytogenetic location: 7q21.2.
Variant type: single nucleotide variant.
Coding change: c.3684G>A on transcript NM_152703.5 (MANE Select); coding-DNA position 3684, G replaced by A.
Protein change: p.Met1228Ile; replaces methionine 1228 with isoleucine.
Molecular consequence: missense variant.
Genome position (GRCh38, 1-based): chr7:93,132,288, C>T on the plus strand (G>A on the coding strand, the complement: SAMD9L is on the minus strand). VCF-style: chr7-93132288-C-T. GRCh37 (hg19) VCF-style: chr7-92761601-C-T.
Other names: c.3684G>A, p.Met1228Ile (NM_001303496.3, NM_001303497.3, NM_001303498.3 and 5 more transcripts); short protein forms M1228I.
Identifiers: ClinVar variation 3949762 (VCV003949762.1).
Genomic context (GRCh38, chr7:93,132,288, plus strand): 5'-CAAATAACATTCATTTCTGGGATCAGGAGGAATGGTCCACTTTCCTGATAAAAATTGCAC[C>T]ATATGTTTTTTGGATAATTCATTTTCTTTGTGGAAAAAGGGAGTGAGCTGAAGAATCTGG-3'
Protein context (NP_689916.2, residues 1218-1238): HKENELSKKH[Met1228Ile]VQFLSGKWTI